The following is an entry in ClinVar:

ClinVar aggregate classification (germline): Uncertain significance (1 of 4 stars; one submission).

Allele frequency attached by ClinVar (database versions not stated): gnomAD exomes below 0.00001; ExAC 0.00001; gnomAD 0.00001; TOPMed 0.00001.
gnomAD v4.1: 6 of 1,613,704 alleles (0.00037%); highest among the groups gnomAD compares: Non-Finnish European, 0.00042%; no homozygotes.

Submission:

Labcorp Genetics (formerly Invitae), Labcorp
Classification: Uncertain significance. Last evaluated: 2022-07-01. Review status: criteria provided, single submitter. Criteria: Invitae Variant Classification Sherloc (09022015). Collection method: clinical testing. Allele origin: germline.
Comment: In summary, the available evidence is currently insufficient to determine the role of this variant in disease. Therefore, it has been classified as a Variant of Uncertain Significance. Algorithms developed to predict the effect of missense changes on protein structure and function are either unavailable or do not agree on the potential impact of this missense change (SIFT: "Not Available"; PolyPhen-2: "Possibly Damaging"; Align-GVGD: "Not Available"). This variant has not been reported in the literature in individuals affected with SEC24D-related conditions. This variant is not present in population databases (gnomAD no frequency). This sequence change replaces serine, which is neutral and polar, with phenylalanine, which is neutral and non-polar, at codon 1014 of the SEC24D protein (p.Ser1014Phe).

NM_014822.4(SEC24D):c.3041C>T (p.Ser1014Phe)

Gene: SEC24D (SEC24 homolog D, COPII component; minus strand). Cytogenetic location: 4q26.
Variant type: single nucleotide variant.
Coding change: c.3041C>T on transcript NM_014822.4 (MANE Select); coding-DNA position 3041, C replaced by T.
Protein change: p.Ser1014Phe; replaces serine 1014 with phenylalanine.
Molecular consequence: missense variant.
Genome position (GRCh38, 1-based): chr4:118,723,573, G>A on the plus strand (C>T on the coding strand, the complement: SEC24D is on the minus strand). VCF-style: chr4-118723573-G-A. GRCh37 (hg19) VCF-style: chr4-119644728-G-A.
Other names: c.3044C>T, p.Ser1015Phe (NM_001318066.2); short protein forms S1015F, S1014F.
Identifiers: ClinVar variation 1959593 (VCV001959593.5), dbSNP rs763992910, ClinGen allele CA3056791.
Genomic context (GRCh38, chr4:118,723,573, plus strand): 5'-AATTAATTAAGCAGCTGACAGATCTCCTTGTGAACACAACAAAGGAAATCCACATAAGAA[G>A]AGCCTCCGTAAAGTCCTTTGTCTTCTACCAGGAACTGTCGGAAAACCATTTCTGGTTGTT-3'
Protein context (NP_055637.2, residues 1004-1024): LVEDKGLYGG[Ser1014Phe]SYVDFLCCVH